The following is an entry in ClinVar:

ClinVar aggregate classification (germline): Likely benign. Review status: criteria provided, multiple submitters, no conflicts (2 of 4 stars). 2 submissions from 2 submitters: Likely benign (2). Last evaluated 2018-01-12.

Conditions:
Amelocerebrohypohidrotic syndrome (KTZS). Also called: EPILEPSY AND YELLOW TEETH; EPILEPSY, DEMENTIA, AND AMELOGENESIS IMPERFECTA; KOHLSCHUTTER SYNDROME; Kohlschutter's syndrome. Identifiers: Orphanet 1946, MedGen C0406740, MONDO:0009185, OMIM 226750.

Allele frequency attached by ClinVar (database versions not stated): gnomAD 0.00055 and 0.00064; 1000 Genomes Project 0.00180; gnomAD exomes 0.00062; 1000 Genomes Project 30x 0.00187; TOPMed 0.00079.
gnomAD v4.1: 187 of 291,328 alleles (0.064%); highest among the groups gnomAD compares: East Asian, 1.1%; 3 homozygotes.

Submissions (2):

Illumina Laboratory Services, Illumina
Classification: Likely benign for Kohlschutter syndrome. Last evaluated: 2018-01-12. Review status: criteria provided, single submitter. Criteria: ICSL Variant Classification Criteria 13 December 2019. Collection method: clinical testing. Allele origin: germline.
Comment: This variant was observed in the ICSL laboratory as part of a predisposition screen in an ostensibly healthy population. It had not been previously curated by ICSL or reported in the Human Gene Mutation Database (HGMD: prior to June 1st, 2018), and was therefore a candidate for classification through an automated scoring system. Utilizing variant allele frequency, disease prevalence and penetrance estimates, and inheritance mode, an automated score was calculated to assess if this variant is too frequent to cause the disease. Based on the score and internal cut-off values, a variant classified as likely benign is not then subjected to further curation. The score for this variant resulted in a classification of likely benign for this disease.

Breakthrough Genomics
Classification: Likely benign. Review status: criteria provided, single submitter. Criteria: ACMG Guidelines, 2015. Collection method: not provided. Allele origin: germline. Inheritance: Autosomal recessive inheritance. Affected: yes.

NM_024589.3(ROGDI):c.*347G>T

Gene: ROGDI (rogdi atypical leucine zipper; minus strand). Cytogenetic location: 16p13.3.
Variant type: single nucleotide variant.
Coding change: c.*347G>T on transcript NM_024589.3 (MANE Select); 347 bases downstream of the stop codon, G replaced by T.
Molecular consequence: 3 prime UTR variant. On other transcripts: non-coding transcript variant (1).
Genome position (GRCh38, 1-based): chr16:4,797,113, C>A on the plus strand (G>T on the coding strand, the complement: ROGDI is on the minus strand). VCF-style: chr16-4797113-C-A. GRCh37 (hg19) VCF-style: chr16-4847114-C-A.
Identifiers: ClinVar variation 319393 (VCV000319393.6), dbSNP rs117730440, ClinGen allele CA10643694.